The following is an entry in ClinVar:

ClinVar aggregate classification (germline): Pathogenic (1 of 4 stars; one submission).

Conditions:
Charcot-Marie-Tooth disease axonal type 2P. Also called: CHARCOT-MARIE-TOOTH NEUROPATHY, TYPE 2P; CHARCOT-MARIE-TOOTH DISEASE, AXONAL, TYPE 2G; CMT 2G; Charcot-Marie-Tooth Neuropathy Type 2G. Identifiers: Orphanet 300319, Orphanet 99941, MedGen C3280797, MONDO:0013753, OMIM 614436.

Submission:

Labcorp Genetics (formerly Invitae), Labcorp
Classification: Pathogenic for Charcot-Marie-Tooth disease axonal type 2P. Last evaluated: 2021-04-19. Review status: criteria provided, single submitter. Criteria: Invitae Variant Classification Sherloc (09022015). Collection method: clinical testing. Allele origin: germline.
Comment: This sequence change creates a premature translational stop signal (p.Gln653Profs*8) in the LRSAM1 gene. It is expected to result in an absent or disrupted protein product. Loss-of-function variants in LRSAM1 are known to be pathogenic (PMID: 20865121, 33414056). For these reasons, this variant has been classified as Pathogenic. This variant has not been reported in the literature in individuals with LRSAM1-related conditions. This variant is not present in population databases (ExAC no frequency).

Literature cited by the submitters: PubMed 20865121; PubMed 33414056.

NM_001005373.4(LRSAM1):c.1956_1957dup (p.Gln653fs)

Gene: LRSAM1 (leucine rich repeat and sterile alpha motif containing 1; plus strand). Cytogenetic location: 9q34.11.
Variant type: Duplication.
Coding change: c.1956_1957dup on transcript NM_001005373.4 (MANE Select); coding-DNA positions 1956 to 1957, 2 bases duplicated (CC; older notation c.1956_1957dupCC).
Protein change: p.Gln653fs; shifts the reading frame from glutamine 653.
Molecular consequence: frameshift variant. On other transcripts: non-coding transcript variant (2).
Genome position (GRCh38, 1-based): chr9:127,501,053-127,501,054, CC duplicated; duplicating any 2 consecutive bases within chr9:127,501,049-127,501,054 gives the same sequence; the c. name uses the placement nearest the transcript's 3' end. VCF-style (leftmost placement, unchanged base first): chr9-127501048-G-GCC. GRCh37 (hg19) VCF-style: chr9-130263327-G-GCC.
Other names: c.1956_1957dup, p.Gln653fs (NM_001005374.4, NM_001384142.1, NM_138361.5); c.1875_1876dup, p.Gln626fs (NM_001190723.3); c.1857_1858dup, p.Gln620fs (NM_001384143.1); c.1167_1168dup, p.Gln390fs (NM_001384144.1); short protein forms Q390fs, Q620fs, Q626fs, Q653fs.
Identifiers: ClinVar variation 1046625 (VCV001046625.6), dbSNP rs775965001, ClinGen allele CA1879828582.